The following is an entry in ClinVar:

ClinVar aggregate classification (germline): Likely benign. Review status: criteria provided, multiple submitters, no conflicts (2 of 4 stars). 2 submissions from 2 submitters: Likely benign (2). Last evaluated 2025-11-01.

Conditions:
Inborn genetic diseases. Identifiers: MedGen C0950123, MeSH D030342.

Allele frequency attached by ClinVar (database versions not stated): gnomAD exomes 0.00001; gnomAD 0.00003.
gnomAD v4.1: 15 of 1,208,682 alleles (0.0012%); highest among the groups gnomAD compares: South Asian, 0.0053%; no homozygotes.

Submissions (2):

CeGaT Center for Human Genetics Tuebingen
Classification: Likely benign. Last evaluated: 2025-11-01. Review status: criteria provided, single submitter. Criteria: CeGaT Center For Human Genetics Tuebingen Variant Classification Criteria Version 2. Collection method: clinical testing. Allele origin: germline. Affected: yes. Observed: 1 variant allele.
Comment: FRMPD4: BP4, BS2

Ambry Genetics
Classification: Likely benign for Inborn genetic diseases. Last evaluated: 2022-08-30. Review status: criteria provided, single submitter. Criteria: Ambry Variant Classification Scheme 2023. Collection method: clinical testing. Allele origin: germline.

NM_001368397.1(FRMPD4):c.3766G>A (p.Val1256Met)

Gene: FRMPD4 (FERM and PDZ domain containing 4; plus strand). Cytogenetic location: Xp22.2.
Variant type: single nucleotide variant.
Coding change: c.3766G>A on transcript NM_001368397.1 (MANE Select); coding-DNA position 3766, G replaced by A.
Protein change: p.Val1256Met; replaces valine 1256 with methionine.
Molecular consequence: missense variant.
Genome position (GRCh38, 1-based): chrX:12,718,592, G>A. VCF-style: chrX-12718592-G-A. GRCh37 (hg19) VCF-style: chrX-12736711-G-A.
Other names: c.3877G>A, p.Val1293Met (NM_001368395.3, NM_001368398.3); c.3772G>A, p.Val1258Met (NM_001368396.3); c.3757G>A, p.Val1253Met (NM_001368399.3); c.3646G>A, p.Val1216Met (NM_001368400.3); c.3742G>A, p.Val1248Met (NM_001368401.1, NM_001368402.3); c.3766G>A, p.Val1256Met (NM_014728.3); short protein forms V1216M, V1248M, V1253M, V1256M, V1258M, V1293M.
Identifiers: ClinVar variation 2309399 (VCV002309399.8), dbSNP rs1036437887, ClinGen allele CA326084836.